The following is an entry in ClinVar:

ClinVar aggregate classification (germline): Uncertain significance. Review status: criteria provided, multiple submitters, no conflicts (2 of 4 stars). 2 submissions from 2 submitters: Uncertain significance (2). Last evaluated 2026-02-15.

Conditions:
Hereditary cancer-predisposing syndrome. Also called: Hereditary Cancer Syndrome; Tumor predisposition; Hereditary neoplastic syndrome; Neoplastic Syndromes, Hereditary. Identifiers: Orphanet 140162, MedGen C0027672, MeSH D009386, MONDO:0015356.

Submissions (2):

Ambry Genetics
Classification: Uncertain significance for Hereditary cancer-predisposing syndrome. Last evaluated: 2026-02-15. Review status: criteria provided, single submitter. Criteria: Ambry Variant Classification Scheme 2023. Collection method: clinical testing. Allele origin: germline.
Comment: The p.I220M variant (also known as c.660A>G), located in coding exon 5 of the PTCH1 gene, results from an A to G substitution at nucleotide position 660. The isoleucine at codon 220 is replaced by methionine, an amino acid with highly similar properties. This amino acid position is conserved. In addition, this alteration is predicted to be deleterious by in silico analysis. Based on the available evidence, the clinical significance of this variant remains unclear.

CeGaT Center for Human Genetics Tuebingen
Classification: Uncertain significance. Last evaluated: 2018-07-01. Review status: criteria provided, single submitter. Criteria: CeGaT Center For Human Genetics Tuebingen Variant Classification Criteria Version 2. Collection method: clinical testing. Allele origin: germline. Affected: yes. Observed: 1 variant allele.

NM_000264.5(PTCH1):c.660A>G (p.Ile220Met)

Gene: PTCH1 (patched 1; minus strand). Cytogenetic location: 9q22.32.
Variant type: single nucleotide variant.
Coding change: c.660A>G on transcript NM_000264.5 (MANE Select); coding-DNA position 660, A replaced by G.
Protein change: p.Ile220Met; replaces isoleucine 220 with methionine.
Molecular consequence: missense variant. On other transcripts: non-coding transcript variant (1).
Genome position (GRCh38, 1-based): chr9:95,482,035, T>C on the plus strand (A>G on the coding strand, the complement: PTCH1 is on the minus strand). VCF-style: chr9-95482035-T-C. GRCh37 (hg19) VCF-style: chr9-98244317-T-C.
Other names: c.660A>G (NM_000264.3); c.462A>G, p.Ile154Met (NM_001083602.3, NM_001354919.2); c.657A>G, p.Ile219Met (NM_001083603.3); c.207A>G, p.Ile69Met (NM_001083604.3, NM_001083605.3, NM_001083606.3 and 1 more transcripts); c.660A>G, p.Ile220Met (NM_001354918.2); short protein forms I154M, I220M, I219M, I69M.
Identifiers: ClinVar variation 624362 (VCV000624362.43), dbSNP rs1564057952, ClinGen allele CA374114982.